The following is an entry in ClinVar:

NM_001018115.3(FANCD2):c.2917_2918del (p.Ser973fs)

Genes: FANCD2 (FA complementation group D2; plus strand), LOC107303338 (3p25 FANCD2 Alu-mediated recombination region; plus strand). Cytogenetic location: 3p25.3.
Variant type: Microsatellite.
Coding change: c.2917_2918del on transcript NM_001018115.3 (MANE Select); coding-DNA positions 2917 to 2918, 2 bases deleted (TC; older notation c.2917_2918delTC).
Protein change: p.Ser973fs; shifts the reading frame from serine 973.
Molecular consequence: frameshift variant.
Genome position (GRCh38, 1-based): chr3:10,078,138-10,078,139, TC deleted; deleting any 2 consecutive bases within chr3:10,078,134-10,078,139 gives the same sequence; the c. name uses the placement nearest the transcript's 3' end. VCF-style (leftmost placement, unchanged base first): chr3-10078133-ATC-A. GRCh37 (hg19) VCF-style: chr3-10119817-ATC-A.
Other names: c.2917_2918del, p.Ser973fs (NM_001319984.2, NM_001374254.1, NM_033084.6); c.2806_2807del, p.Ser936fs (NM_001374253.1); short protein forms S936fs, S973fs.
Identifiers: ClinVar variation 929665 (VCV000929665.1), dbSNP rs1693633153, ClinGen allele CA1345036237.

ClinVar aggregate classification (germline): Pathogenic (0 of 4 stars; one submission).

Submission:

Leiden Open Variation Database
Classification: Pathogenic. Last evaluated: 2020-02-28. Review status: no assertion criteria provided. Collection method: curation. Allele origin: germline. Affected: yes.
Comment: Curator: Arleen D. Auerbach. Submitter to LOVD: Florentia Fostira.

Literature cited by the submitters: PubMed 31300551.